The following is an entry in ClinVar:

ClinVar aggregate classification (germline): Uncertain significance. Review status: criteria provided, multiple submitters, no conflicts (2 of 4 stars). 2 submissions from 2 submitters: Uncertain significance (2). Last evaluated 2025-07-07.

Conditions:
Inborn genetic diseases. Identifiers: MedGen C0950123, MeSH D030342.

Submissions (2):

Labcorp Genetics (formerly Invitae), Labcorp
Classification: Uncertain significance. Last evaluated: 2025-07-07. Review status: criteria provided, single submitter. Criteria: Invitae Variant Classification Sherloc (09022015). Collection method: clinical testing. Allele origin: germline.
Comment: This sequence change replaces leucine, which is neutral and non-polar, with phenylalanine, which is neutral and non-polar, at codon 224 of the RETREG1 protein (p.Leu224Phe). This variant is not present in population databases (gnomAD no frequency). This variant has not been reported in the literature in individuals affected with RETREG1-related conditions. ClinVar contains an entry for this variant (Variation ID: 1939488). An algorithm developed to predict the effect of missense changes on protein structure and function (PolyPhen-2) suggests that this variant is likely to be disruptive. In summary, the available evidence is currently insufficient to determine the role of this variant in disease. Therefore, it has been classified as a Variant of Uncertain Significance.

Ambry Genetics
Classification: Uncertain significance for Inborn genetic diseases. Last evaluated: 2023-03-13. Review status: criteria provided, single submitter. Criteria: Ambry Variant Classification Scheme 2023. Collection method: clinical testing. Allele origin: germline.

NM_001034850.3(RETREG1):c.672A>C (p.Leu224Phe)

Gene: RETREG1 (reticulophagy regulator 1; minus strand). Cytogenetic location: 5p15.1.
Variant type: single nucleotide variant.
Coding change: c.672A>C on transcript NM_001034850.3 (MANE Select); coding-DNA position 672, A replaced by C.
Protein change: p.Leu224Phe; replaces leucine 224 with phenylalanine.
Molecular consequence: missense variant.
Genome position (GRCh38, 1-based): chr5:16,478,986, T>G on the plus strand (A>C on the coding strand, the complement: RETREG1 is on the minus strand). VCF-style: chr5-16478986-T-G. GRCh37 (hg19) VCF-style: chr5-16479095-T-G.
Other names: c.249A>C, p.Leu83Phe (NM_019000.5); c.672A>C (NM_001034850.1); short protein forms L224F, L83F.
Identifiers: ClinVar variation 1939488 (VCV001939488.5), dbSNP rs2477470741, ClinGen allele CA359258872.